The following is an entry in ClinVar:

ClinVar aggregate classification (germline): Uncertain significance (1 of 4 stars; one submission).

gnomAD v4.1: 1 of 1,503,594 alleles (0.000067%); highest among the groups gnomAD compares: East Asian, 0.0025%; no homozygotes.

Submission:

Ambry Genetics
Classification: Uncertain significance. Last evaluated: 2025-09-06. Review status: criteria provided, single submitter. Criteria: Ambry Variant Classification Scheme 2023. Collection method: clinical testing. Allele origin: germline.
Comment: The p.G125V variant (also known as c.374G>T), located in coding exon 1 of the WNK2 gene, results from a G to T substitution at nucleotide position 374. The glycine at codon 125 is replaced by valine, an amino acid with dissimilar properties. This amino acid position is conserved. In addition, this alteration is predicted to be tolerated by in silico analysis. Based on the available evidence, the clinical significance of this variant remains unclear.

NM_006648.4(WNK2):c.374G>T (p.Gly125Val)

Gene: WNK2 (WNK lysine deficient protein kinase 2; plus strand). Cytogenetic location: 9q22.31.
Variant type: single nucleotide variant.
Coding change: c.374G>T on transcript NM_006648.4 (MANE Select); coding-DNA position 374, G replaced by T.
Protein change: p.Gly125Val; replaces glycine 125 with valine.
Molecular consequence: missense variant.
Genome position (GRCh38, 1-based): chr9:93,185,303, G>T. VCF-style: chr9-93185303-G-T. GRCh37 (hg19) VCF-style: chr9-95947585-G-T.
Other names: c.374G>T, p.Gly125Val (NM_001282394.3); short protein forms G125V.
Identifiers: ClinVar variation 4201875 (VCV004201875.1).